The following is an entry in ClinVar:

ClinVar aggregate classification (germline): Pathogenic/Likely pathogenic. Review status: criteria provided, multiple submitters, no conflicts (2 of 4 stars). 5 submissions from 5 submitters: Pathogenic (2); Likely pathogenic (2). 1 of the submissions does not count toward it. Last evaluated 2025-12-13.

Conditions:
RLBP1-related disorder. Also called: RLBP1-related disorders; RLBP1-related condition. Identifiers: MedGen CN239413.
Retinitis pigmentosa (RP). Identifiers: Orphanet 791, MedGen C0035334, MeSH D012174, MONDO:0019200, OMIM 268000. Inheritance: Autosomal dominant, autosomal recessive and X linked inheritance.
Pigmentary retinal dystrophy. Also called: Fundus albipunctatus. Identifiers: Orphanet 227796, Orphanet 52427, MedGen C0311338, MONDO:0007639, OMIM 136880, HP:0030642.

Allele frequency attached by ClinVar (database versions not stated): TOPMed 0.00009; gnomAD 0.00012 and 0.00014; ESP Exome Variant Server 0.00038.
gnomAD v4.1: 23 of 1,603,060 alleles (0.0014%); highest among the groups gnomAD compares: African/African-American, 0.025%; no homozygotes.

Submissions (5):

Labcorp Genetics (formerly Invitae), Labcorp
Classification: Pathogenic. Last evaluated: 2025-12-13. Review status: criteria provided, single submitter. Criteria: Invitae Variant Classification Sherloc (09022015). Collection method: clinical testing. Allele origin: germline.
Comment: This sequence change creates a premature translational stop signal (p.Tyr251*) in the RLBP1 gene. While this is not anticipated to result in nonsense mediated decay, it is expected to disrupt the last 67 amino acid(s) of the RLBP1 protein. This variant is present in population databases (rs151141842, gnomAD 0.03%). This variant has not been reported in the literature in individuals affected with RLBP1-related conditions. ClinVar contains an entry for this variant (Variation ID: 829822). This variant disrupts a region of the RLBP1 protein in which other variant(s) (p.Gln278*) have been determined to be pathogenic (PMID: 33851411). This suggests that this is a clinically significant region of the protein, and that variants that disrupt it are likely to be disease-causing. For these reasons, this variant has been classified as Pathogenic.

PreventionGenetics, part of Exact Sciences
Classification: Pathogenic for RLBP1-related condition. Last evaluated: 2025-02-19. Review status: criteria provided, single submitter. Criteria: ACMG Guidelines, 2015. Collection method: clinical testing. Allele origin: germline.
Comment: The RLBP1 c.753C>A variant is predicted to result in premature protein termination (p.Tyr251*). This variant was reported in the homozygous state in an individual with retinitis punctata albescens (Bocquet et al. 2021. PubMed ID: 36247817). This variant is reported in 0.026% of alleles in individuals of African descent in gnomAD. Nonsense variants in RLBP1 are expected to be pathogenic. This variant is interpreted as pathogenic.

Women's Health and Genetics/Laboratory Corporation of America, LabCorp
Classification: Likely pathogenic for Retinitis pigmentosa. Last evaluated: 2022-02-25. Review status: criteria provided, single submitter. Criteria: LabCorp Variant Classification Summary - May 2015. Collection method: clinical testing. Allele origin: germline.
Comment: Variant summary: RLBP1 c.753C>A (p.Tyr251X) results in a premature termination codon that is not expected to cause nonsense mediated decay (NMD), but is predicted to cause a truncation of the encoded protein, removing a part of the CRAL-TRIO lipid binding domain (amino acids 136-297; IPR001251). Truncations downstream of this position have been reported in individuals affected with retinitis pigmentosa (HGMD). The variant allele was found at a frequency of 8.6e-06 in 233170 control chromosomes (gnomAD). c.753C>A has been reported in the literature in one homozygous individual affected with retinal dystrophy (Bocquet_2021). These data indicate that the variant may be associated with disease. To our knowledge, no experimental evidence demonstrating an impact on protein function has been reported. Three ClinVar submitters have assessed the variant since 2014: one classified the variant as of uncertain significance, and two as likely pathogenic. Based on the evidence outlined above, the variant was classified as likely pathogenic.

GeneDx
Classification: Likely pathogenic. Last evaluated: 2019-11-21. Review status: criteria provided, single submitter. Criteria: GeneDx Variant Classification Process June 2021. Collection method: clinical testing. Allele origin: germline. Affected: yes.
Comment: Nonsense variant in the C-terminus predicted to result in protein truncation, as the last 67 amino acids are lost, and other loss-of-function variants have been reported downstream in the Human Gene Mutation Database (Stenson et al., 2014); Has not been previously published as pathogenic or benign to our knowledge

Bioscientia Institut fuer Medizinische Diagnostik GmbH, Sonic Healthcare
Classification: Likely pathogenic for Pigmentary retinal dystrophy. Last evaluated: 2019-04-02. Review status: no assertion criteria provided. Collection method: clinical testing. Allele origin: germline. Affected: yes. Not counted in ClinVar's aggregate classification.

Literature cited by the submitters: PubMed 33851411 (cited by Labcorp Genetics (formerly Invitae), Labcorp).

NM_000326.5(RLBP1):c.753C>A (p.Tyr251Ter)

Gene: RLBP1 (retinaldehyde binding protein 1; minus strand). Cytogenetic location: 15q26.1.
Variant type: single nucleotide variant.
Coding change: c.753C>A on transcript NM_000326.5 (MANE Select); coding-DNA position 753, C replaced by A.
Protein change: p.Tyr251Ter; replaces tyrosine 251 with a stop codon.
Molecular consequence: nonsense.
Genome position (GRCh38, 1-based): chr15:89,210,741, G>T on the plus strand (C>A on the coding strand, the complement: RLBP1 is on the minus strand). VCF-style: chr15-89210741-G-T. GRCh37 (hg19) VCF-style: chr15-89753972-G-T.
Other names: short protein forms Y251*.
Identifiers: ClinVar variation 829822 (VCV000829822.14), dbSNP rs151141842, ClinGen allele CA7722197.